The following is an entry in ClinVar:

NM_021975.4(RELA):c.113_114delinsAA (p.Cys38Ter)

Gene: RELA (RELA proto-oncogene, NF-kB subunit; minus strand). Cytogenetic location: 11q13.1.
Variant type: Indel.
Coding change: c.113_114delinsAA on transcript NM_021975.4 (MANE Select); coding-DNA positions 113 to 114, GC replaced by AA.
Protein change: p.Cys38Ter; replaces cysteine 38 with a stop codon.
Molecular consequence: nonsense.
Genome position (GRCh38, 1-based): chr11:65,662,009-65,662,010, GC replaced by TT on the plus strand (GC replaced by AA on the coding strand, the reverse complement: RELA is on the minus strand). VCF-style: chr11-65662009-GC-TT. GRCh37 (hg19) VCF-style: chr11-65429480-GC-TT.
Other names: c.113_114delinsAA, p.Cys38Ter (NM_001145138.2, NM_001243984.2, NM_001243985.2); short protein forms C38*.
Identifiers: ClinVar variation 1409152 (VCV001409152.6), dbSNP rs2135572911, ClinGen allele CA2573147391.

ClinVar aggregate classification (germline): Pathogenic (1 of 4 stars; one submission).

Submission:

Labcorp Genetics (formerly Invitae), Labcorp
Classification: Pathogenic. Last evaluated: 2022-08-10. Review status: criteria provided, single submitter. Criteria: Invitae Variant Classification Sherloc (09022015). Collection method: clinical testing. Allele origin: germline.
Comment: For these reasons, this variant has been classified as Pathogenic. Algorithms developed to predict the effect of sequence changes on RNA splicing suggest that this variant may create or strengthen a splice site. ClinVar contains an entry for this variant (Variation ID: 1409152). This variant has not been reported in the literature in individuals affected with RELA-related conditions. Information on the frequency of this variant in the gnomAD database is not available, as this variant may be reported differently in the database. This sequence change creates a premature translational stop signal (p.Cys38*) in the RELA gene. It is expected to result in an absent or disrupted protein product. Loss-of-function variants in RELA are known to be pathogenic (PMID: 28600438).

Literature cited by the submitters: PubMed 28600438.